The following is an entry in ClinVar:

NC_000013.11:g.(?_23203675)_(23279498_?)del

Genes: SGCG (sarcoglycan gamma; plus strand), LOC130009362 (ATAC-STARR-seq lymphoblastoid active region 7449; plus strand). Cytogenetic location: 13q12.12.
Variant type: Deletion.
Identifiers: ClinVar variation 530810 (VCV000530810.1).

ClinVar aggregate classification (germline): Pathogenic (1 of 4 stars; one submission).

Conditions:
Autosomal recessive limb-girdle muscular dystrophy type 2C (LGMDR5). Also called: MUSCULAR DYSTROPHY, DUCHENNE-LIKE; MUSCULAR DYSTROPHY, LIMB-GIRDLE, AUTOSOMAL RECESSIVE 5. Identifiers: Orphanet 353, MedGen C0410173, MONDO:0009677, OMIM 253700. Disease mechanism: Affects gamma-sarcoglycan and also disrupts the integrity of the entire sarcoglycan complex..

Submission:

Labcorp Genetics (formerly Invitae), Labcorp
Classification: Pathogenic for Autosomal recessive limb-girdle muscular dystrophy type 2C. Last evaluated: 2017-09-06. Review status: criteria provided, single submitter. Criteria: Invitae Variant Classification Sherloc (09022015). Collection method: clinical testing. Allele origin: germline.
Comment: This variant is a gross deletion of the genomic region encompassing exons 2-5 of the SGCG gene, which includes the initiator codon. The 5' end of this event is unknown as it extends beyond the assayed region for this gene and therefore may encompass additional genes. The 3' boundary is likely confined to intron 5 of the SGCG gene. This is expected to result in an absent or disrupted protein product. This variant has not been reported in the literature in individuals with SGCG-related disease. Loss-of-function variants in SGCG are known to be pathogenic (PMID: 18285821). For these reasons, this variant has been classified as Pathogenic.